The following is an entry in ClinVar:

NM_005876.5(SPEG):c.9268A>G (p.Asn3090Asp)

Genes: ASIC4-AS1 (ASIC4 antisense RNA 1; minus strand), SPEG (striated muscle enriched protein kinase; plus strand). Cytogenetic location: 2q35.
Variant type: single nucleotide variant.
Coding change: c.9268A>G on transcript NM_005876.5 (MANE Select); coding-DNA position 9268, A replaced by G.
Protein change: p.Asn3090Asp; replaces asparagine 3090 with aspartic acid.
Molecular consequence: missense variant.
Genome position (GRCh38, 1-based): chr2:219,490,839, A>G. VCF-style: chr2-219490839-A-G. GRCh37 (hg19) VCF-style: chr2-220355561-A-G.
Other names: short protein forms N3090D.
Identifiers: ClinVar variation 1975733 (VCV001975733.5), dbSNP rs1693906312, ClinGen allele CA350715504.

ClinVar aggregate classification (germline): Uncertain significance (1 of 4 stars; one submission).

Allele frequency attached by ClinVar (database versions not stated): TOPMed below 0.00001.

Submission:

Labcorp Genetics (formerly Invitae), Labcorp
Classification: Uncertain significance. Last evaluated: 2022-04-13. Review status: criteria provided, single submitter. Criteria: Invitae Variant Classification Sherloc (09022015). Collection method: clinical testing. Allele origin: germline.
Comment: This sequence change replaces asparagine, which is neutral and polar, with aspartic acid, which is acidic and polar, at codon 3090 of the SPEG protein (p.Asn3090Asp). This variant is not present in population databases (gnomAD no frequency). This variant has not been reported in the literature in individuals affected with SPEG-related conditions. Algorithms developed to predict the effect of missense changes on protein structure and function are either unavailable or do not agree on the potential impact of this missense change (SIFT: "Deleterious"; PolyPhen-2: "Probably Damaging"; Align-GVGD: "Class C0"). In summary, the available evidence is currently insufficient to determine the role of this variant in disease. Therefore, it has been classified as a Variant of Uncertain Significance.